The following is an entry in ClinVar:

NM_001134407.3(GRIN2A):c.1629C>T (p.Thr543=)

Gene: GRIN2A (glutamate ionotropic receptor NMDA type subunit 2A; minus strand). Cytogenetic location: 16p13.2.
Variant type: single nucleotide variant.
Coding change: c.1629C>T on transcript NM_001134407.3 (MANE Select); coding-DNA position 1629, C replaced by T.
Protein change: p.Thr543=; no amino-acid change (threonine 543 retained).
Molecular consequence: synonymous variant.
Genome position (GRCh38, 1-based): chr16:9,840,669, G>A on the plus strand (C>T on the coding strand, the complement: GRIN2A is on the minus strand). VCF-style: chr16-9840669-G-A. GRCh37 (hg19) VCF-style: chr16-9934526-G-A.
Other names: c.1629C>T, p.Thr543= (NM_000833.5, NM_001134408.2).
Identifiers: ClinVar variation 382546 (VCV000382546.17), dbSNP rs758378272, ClinGen allele CA7896674.

ClinVar aggregate classification (germline): Benign/Likely benign. Review status: criteria provided, multiple submitters, no conflicts (2 of 4 stars). 4 submissions from 4 submitters: Benign (1); Likely benign (3). Last evaluated 2026-05-01.

Conditions:
Landau-Kleffner syndrome (FESD). Also called: EPILEPSY, FOCAL, WITH SPEECH DISORDER AND WITH OR WITHOUT MENTAL RETARDATION; APHASIA, ACQUIRED, WITH EPILEPSY. Identifiers: Orphanet 1945, Orphanet 725, Orphanet 98818, MedGen C0282512, MONDO:0009509, OMIM 245570.

Allele frequency attached by ClinVar (database versions not stated): gnomAD 0.00002; TOPMed 0.00011; gnomAD exomes 0.00019 and 0.00005; ExAC 0.00020.
gnomAD v4.1: 70 of 1,613,460 alleles (0.0043%); highest among the groups gnomAD compares: Admixed American, 0.07%; no homozygotes.

Submissions (4):

CeGaT Center for Human Genetics Tuebingen
Classification: Likely benign. Last evaluated: 2026-05-01. Review status: criteria provided, single submitter. Criteria: CeGaT Center For Human Genetics Tuebingen Variant Classification Criteria Version 2. Collection method: clinical testing. Allele origin: germline. Affected: yes. Observed: 1 variant allele.
Comment: GRIN2A: BP4, BP7

Labcorp Genetics (formerly Invitae), Labcorp
Classification: Benign for Landau-Kleffner syndrome. Last evaluated: 2025-11-12. Review status: criteria provided, single submitter. Criteria: Invitae Variant Classification Sherloc (09022015). Collection method: clinical testing. Allele origin: germline.

Blueprint Genetics
Classification: Likely benign. Last evaluated: 2021-06-01. Review status: criteria provided, single submitter. Criteria: ACMG Guidelines, 2015. Collection method: clinical testing. Allele origin: germline.

GeneDx
Classification: Likely benign. Last evaluated: 2020-08-31. Review status: criteria provided, single submitter. Criteria: GeneDx Variant Classification Process June 2021. Collection method: clinical testing. Allele origin: germline. Affected: yes.